The following is an entry in ClinVar:

NC_000011.9:g.(?_76858824)_(76869496_?)del

Gene: MYO7A (myosin VIIA; plus strand). Cytogenetic location: 11q13.5.
Variant type: Deletion.
Identifiers: ClinVar variation 1458053 (VCV001458053.6).

ClinVar aggregate classification (germline): Pathogenic (1 of 4 stars; one submission).

Submission:

Labcorp Genetics (formerly Invitae), Labcorp
Classification: Pathogenic. Last evaluated: 2021-01-12. Review status: criteria provided, single submitter. Criteria: Invitae Variant Classification Sherloc (09022015). Collection method: clinical testing. Allele origin: germline.
Comment: For these reasons, this variant has been classified as Pathogenic. This variant has not been reported in the literature in individuals with MYO7A-related conditions. This variant is a gross deletion of the genomic region encompassing exon(s) 4-9 of the MYO7A gene. This deletion is out-of-frame, and is expected to create a premature translational stop signal and result in an absent or disrupted protein product. Loss-of-function variants in MYO7A are known to be pathogenic (PMID: 8900236, 25404053).

Literature cited by the submitters: PubMed 8900236; PubMed 25404053.